The following is an entry in ClinVar:

NM_178170.3(NEK8):c.2066_2073delinsTTTT (p.Pro689fs)

Gene: NEK8 (NIMA related kinase 8; plus strand). Cytogenetic location: 17q11.2.
Variant type: Indel.
Coding change: c.2066_2073delinsTTTT on transcript NM_178170.3 (MANE Select); coding-DNA positions 2066 to 2073, CGGTCCCC replaced by TTTT.
Protein change: p.Pro689fs; shifts the reading frame from proline 689.
Molecular consequence: frameshift variant.
Genome position (GRCh38, 1-based): chr17:28,741,974-28,741,981, CGGTCCCC replaced by TTTT. VCF-style: chr17-28741974-CGGTCCCC-TTTT. GRCh37 (hg19) VCF-style: chr17-27068992-CGGTCCCC-TTTT.
Other names: short protein forms P689fs.
Identifiers: ClinVar variation 4845887 (VCV004845887.1).

ClinVar aggregate classification (germline): Likely pathogenic (1 of 4 stars; one submission).

Conditions:
Nephronophthisis 9 (NPHP9). Identifiers: Orphanet 655, MedGen C3151188, MONDO:0013444, OMIM 613824.
Renal-hepatic-pancreatic dysplasia 2 (RHPD2). Identifiers: MedGen C3809434, MONDO:0014174, OMIM 615415.

Submission:

First Genomix Gene Laboratory, Genetic Diagnostics Department
Classification: Likely pathogenic for Renal-hepatic-pancreatic dysplasia 2; Nephronophthisis 9. Last evaluated: 2025-05-07. Review status: criteria provided, single submitter. Criteria: ACMG Guidelines, 2015. Collection method: clinical testing. Allele origin: germline. Inheritance: Autosomal recessive inheritance. Affected: no. Observed: 1 variant allele.